The following is an entry in ClinVar:

NM_000051.4(ATM):c.8324C>G (p.Pro2775Arg)

Genes: ATM (ATM serine/threonine kinase; plus strand), C11orf65 (chromosome 11 open reading frame 65; minus strand). Cytogenetic location: 11q22.3.
Variant type: single nucleotide variant.
Coding change: c.8324C>G on transcript NM_000051.4 (MANE Select); coding-DNA position 8324, C replaced by G.
Protein change: p.Pro2775Arg; replaces proline 2775 with arginine.
Molecular consequence: missense variant. On other transcripts: intron variant (2).
Genome position (GRCh38, 1-based): chr11:108,343,277, C>G. VCF-style: chr11-108343277-C-G. GRCh37 (hg19) VCF-style: chr11-108214004-C-G.
Other names: c.8324C>G, p.Pro2775Arg (NM_001351834.2); c.641-34206G>C (NM_001330368.2); c.695-7985G>C (NM_001351110.2); short protein forms P2775R.
Identifiers: ClinVar variation 2809116 (VCV002809116.3), dbSNP rs1591248275, ClinGen allele CA382516400.

ClinVar aggregate classification (germline): Uncertain significance (1 of 4 stars; one submission).

Conditions:
Ataxia-telangiectasia syndrome (AT). Also called: LOUIS-BAR SYNDROME; Cerebello-oculocutaneous telangiectasia; Immunodeficiency with ataxia telangiectasia; Ataxia telangiectasia (A-T); Ataxia-telangiectasia, complementation group D; AT, COMPLEMENTATION GROUP C. Identifiers: Orphanet 100, MedGen C0004135, MONDO:0008840, OMIM 208900.

Submission:

Labcorp Genetics (formerly Invitae), Labcorp
Classification: Uncertain significance for Ataxia-telangiectasia syndrome. Last evaluated: 2022-10-20. Review status: criteria provided, single submitter. Criteria: Invitae Variant Classification Sherloc (09022015). Collection method: clinical testing. Allele origin: germline.
Comment: In summary, the available evidence is currently insufficient to determine the role of this variant in disease. Therefore, it has been classified as a Variant of Uncertain Significance. Algorithms developed to predict the effect of missense changes on protein structure and function are either unavailable or do not agree on the potential impact of this missense change (SIFT: "Deleterious"; PolyPhen-2: "Probably Damaging"; Align-GVGD: "Class C15"). This variant has not been reported in the literature in individuals affected with ATM-related conditions. This variant is not present in population databases (gnomAD no frequency). This sequence change replaces proline, which is neutral and non-polar, with arginine, which is basic and polar, at codon 2775 of the ATM protein (p.Pro2775Arg).